The following is an entry in ClinVar:

ClinVar aggregate classification (germline): Pathogenic (1 of 4 stars; one submission).

Conditions:
EAST syndrome (SESAMES). Also called: SEIZURES, SENSORINEURAL DEAFNESS, ATAXIA, IMPAIRED INTELLECTUAL DEVELOPMENT, AND ELECTROLYTE IMBALANCE. Identifiers: Orphanet 199343, MedGen C2748572, MONDO:0013005, OMIM 612780.

Submission:

Labcorp Genetics (formerly Invitae), Labcorp
Classification: Pathogenic for EAST syndrome. Last evaluated: 2022-12-02. Review status: criteria provided, single submitter. Criteria: Invitae Variant Classification Sherloc (09022015). Collection method: clinical testing. Allele origin: germline.
Comment: This variant has not been reported in the literature in individuals affected with KCNJ10-related conditions. This variant is not present in population databases (gnomAD no frequency). This sequence change creates a premature translational stop signal (p.Phe71Leufs*53) in the KCNJ10 gene. While this is not anticipated to result in nonsense mediated decay, it is expected to disrupt the last 309 amino acid(s) of the KCNJ10 protein. This variant disrupts a region of the KCNJ10 protein in which other variant(s) (p.Arg199*) have been determined to be pathogenic (PMID: 19289823, 20651251, 20678478, 20807765, 21088294, 23924083). This suggests that this is a clinically significant region of the protein, and that variants that disrupt it are likely to be disease-causing. For these reasons, this variant has been classified as Pathogenic.

Literature cited by the submitters: PubMed 19289823; PubMed 20651251; PubMed 20678478; PubMed 20807765; PubMed 21088294; PubMed 23924083.

NM_002241.5(KCNJ10):c.211_212del (p.Phe71fs)

Gene: KCNJ10 (potassium inwardly rectifying channel subfamily J member 10; minus strand). Cytogenetic location: 1q23.2.
Variant type: Deletion.
Coding change: c.211_212del on transcript NM_002241.5 (MANE Select); coding-DNA positions 211 to 212, 2 bases deleted (TT; older notation c.211_212delTT).
Protein change: p.Phe71fs; shifts the reading frame from phenylalanine 71.
Molecular consequence: frameshift variant.
Genome position (GRCh38, 1-based): chr1:160,042,321-160,042,322, AA deleted on the plus strand (TT on the coding strand, the reverse complement: KCNJ10 is on the minus strand). VCF-style (leftmost placement, unchanged base first): chr1-160042320-GAA-G. GRCh37 (hg19) VCF-style: chr1-160012110-GAA-G.
Other names: short protein forms F71fs.
Identifiers: ClinVar variation 2817984 (VCV002817984.3), dbSNP rs2525431053, ClinGen allele CA2739275339.